The following is an entry in ClinVar:

NM_001376.5(DYNC1H1):c.13091C>G (p.Thr4364Arg)

Gene: DYNC1H1 (dynein cytoplasmic 1 heavy chain 1; plus strand). Cytogenetic location: 14q32.31.
Variant type: single nucleotide variant.
Coding change: c.13091C>G on transcript NM_001376.5 (MANE Select); coding-DNA position 13091, C replaced by G.
Protein change: p.Thr4364Arg; replaces threonine 4364 with arginine.
Molecular consequence: missense variant.
Genome position (GRCh38, 1-based): chr14:102,047,901, C>G. VCF-style: chr14-102047901-C-G. GRCh37 (hg19) VCF-style: chr14-102514238-C-G.
Other names: short protein forms T4364R.
Identifiers: ClinVar variation 2883085 (VCV002883085.3), dbSNP rs750890352, ClinGen allele CA266985091.

ClinVar aggregate classification (germline): Uncertain significance (1 of 4 stars; one submission).

Conditions:
Charcot-Marie-Tooth disease axonal type 2O. Also called: Charcot-Marie-Tooth Neuropathy Type 2O; Charcot-Marie-Tooth disease, axonal, type 20; CHARCOT-MARIE-TOOTH NEUROPATHY, AXONAL, TYPE 2O; CHARCOT-MARIE-TOOTH DISEASE, AXONAL, AUTOSOMAL DOMINANT, TYPE 2O. Identifiers: Orphanet 284232, MedGen C3280220, MONDO:0013644, OMIM 614228.

gnomAD v4.1: 2 of 1,613,694 alleles (0.00012%); highest among the groups gnomAD compares: Non-Finnish European, 0.00017%; no homozygotes.

Submission:

Labcorp Genetics (formerly Invitae), Labcorp
Classification: Uncertain significance for Charcot-Marie-Tooth disease axonal type 2O. Last evaluated: 2025-02-23. Review status: criteria provided, single submitter. Criteria: Invitae Variant Classification Sherloc (09022015). Collection method: clinical testing. Allele origin: germline.
Comment: This sequence change replaces threonine, which is neutral and polar, with arginine, which is basic and polar, at codon 4364 of the DYNC1H1 protein (p.Thr4364Arg). This variant is not present in population databases (gnomAD no frequency). This variant has not been reported in the literature in individuals affected with DYNC1H1-related conditions. ClinVar contains an entry for this variant (Variation ID: 2883085). Invitae Evidence Modeling of protein sequence and biophysical properties (such as structural, functional, and spatial information, amino acid conservation, physicochemical variation, residue mobility, and thermodynamic stability) indicates that this missense variant is not expected to disrupt DYNC1H1 protein function with a negative predictive value of 95%. In summary, the available evidence is currently insufficient to determine the role of this variant in disease. Therefore, it has been classified as a Variant of Uncertain Significance.